The following is an entry in ClinVar:

NM_020937.4(FANCM):c.4382A>G (p.Asn1461Ser)

Gene: FANCM (FA complementation group M; plus strand). Cytogenetic location: 14q21.2.
Variant type: single nucleotide variant.
Coding change: c.4382A>G on transcript NM_020937.4 (MANE Select); coding-DNA position 4382, A replaced by G.
Protein change: p.Asn1461Ser; replaces asparagine 1461 with serine.
Molecular consequence: missense variant.
Genome position (GRCh38, 1-based): chr14:45,181,701, A>G. VCF-style: chr14-45181701-A-G. GRCh37 (hg19) VCF-style: chr14-45650904-A-G.
Other names: c.4304A>G, p.Asn1435Ser (NM_001308133.2); short protein forms N1461S, N1435S.
Identifiers: ClinVar variation 4022587 (VCV004022587.1).

ClinVar aggregate classification (germline): Uncertain significance (1 of 4 stars; one submission).

Conditions:
Inborn genetic diseases. Identifiers: MedGen C0950123, MeSH D030342.

Submission:

Ambry Genetics
Classification: Uncertain significance for Inborn genetic diseases. Last evaluated: 2025-03-17. Review status: criteria provided, single submitter. Criteria: Ambry Variant Classification Scheme 2023. Collection method: clinical testing. Allele origin: germline.
Comment: The p.N1461S variant (also known as c.4382A>G), located in coding exon 16 of the FANCM gene, results from an A to G substitution at nucleotide position 4382. The asparagine at codon 1461 is replaced by serine, an amino acid with highly similar properties. This amino acid position is conserved. In addition, this alteration is predicted to be tolerated by in silico analysis. Based on the available evidence, the clinical significance of this variant remains unclear.